The following is an entry in ClinVar:

NM_005751.5(AKAP9):c.8375A>G (p.Asn2792Ser)

Gene: AKAP9 (A-kinase anchoring protein 9; plus strand). Cytogenetic location: 7q21.2.
Variant type: single nucleotide variant.
Coding change: c.8375A>G on transcript NM_005751.5 (MANE Select); coding-DNA position 8375, A replaced by G.
Protein change: p.Asn2792Ser; replaces asparagine 2792 with serine.
Molecular consequence: missense variant.
Genome position (GRCh38, 1-based): chr7:92,083,384, A>G. VCF-style: chr7-92083384-A-G. GRCh37 (hg19) VCF-style: chr7-91712698-A-G.
Other names: p.N2792S:AAT>AGT; c.3020A>G, p.Asn1007Ser (NM_001379277.1); c.8351A>G, p.Asn2784Ser (NM_147185.3); short protein forms N2792S, N2784S, N1007S.
Identifiers: ClinVar variation 136340 (VCV000136340.28), dbSNP rs6960867, ClinGen allele CA163151.

ClinVar aggregate classification (germline): Benign/Likely benign. Review status: criteria provided, multiple submitters, no conflicts (2 of 4 stars). 11 submissions from 11 submitters: Benign (7); Likely benign (2). 2 of the submissions do not count toward it. Last evaluated 2026-02-04.

Conditions:
Cardiovascular phenotype. Identifiers: MedGen CN230736.
Long QT syndrome (LQTS). Identifiers: MedGen C0023976, MeSH D008133, MONDO:0002442. Disease mechanism: loss of function. Inheritance: Various modes of inheritance.
Long QT syndrome 11 (LQT11). Identifiers: Orphanet 101016, Orphanet 768, MedGen C2678483, MONDO:0012738, OMIM 611820.

Allele frequency attached by ClinVar (database versions not stated): 1000 Genomes Project 30x 0.29482; 1000 Genomes Project 0.29593; TOPMed 0.33150; gnomAD 0.33817 and 0.33968; ESP Exome Variant Server 0.35607; gnomAD exomes 0.35870 and 0.37911; ExAC 0.35934.
gnomAD v4.1: 605,330 of 1,613,262 alleles (38%); highest among the groups gnomAD compares: Middle Eastern, 42%; 116,125 homozygotes.

Submissions (11):

Labcorp Genetics (formerly Invitae), Labcorp
Classification: Benign for Long QT syndrome. Last evaluated: 2026-02-04. Review status: criteria provided, single submitter. Criteria: Invitae Variant Classification Sherloc (09022015). Collection method: clinical testing. Allele origin: germline.

Blueprint Genetics
Classification: Benign. Last evaluated: 2024-11-27. Review status: criteria provided, single submitter. Criteria: ACMG Guidelines, 2015. Collection method: clinical testing. Allele origin: germline.

Genome-Nilou Lab
Classification: Benign for Long QT syndrome 11. Last evaluated: 2021-12-05. Review status: criteria provided, single submitter. Criteria: ACMG Guidelines, 2015. Collection method: clinical testing. Allele origin: germline. Affected: no.

Women's Health and Genetics/Laboratory Corporation of America, LabCorp
Classification: Likely benign. Last evaluated: 2020-08-11. Review status: criteria provided, single submitter. Criteria: LabCorp Variant Classification Summary - May 2015. Collection method: clinical testing. Allele origin: germline.

Ambry Genetics
Classification: Benign for Cardiovascular phenotype. Last evaluated: 2015-06-18. Review status: criteria provided, single submitter. Criteria: Ambry Variant Classification Scheme 2023. Collection method: clinical testing. Allele origin: germline.

Biesecker Lab/Clinical Genomics Section, National Institutes of Health
Classification: Benign. Last evaluated: 2013-06-24. Review status: criteria provided, single submitter. Criteria: Ng et al. (Circ Cardiovasc Genet. 2013). Collection method: research. Allele origin: unknown. Observed: 541 variant alleles. Study: ClinSeq.
Comment: The study set was not selected for affection status in relation to any cancer. Pathogenicity categories were based on literature curation. See Pubmed ID:23861362 for details.

Medical sequencing

GeneDx
Classification: Benign. Last evaluated: 2011-08-08. Review status: criteria provided, single submitter. Criteria: GeneDx Variant Classification (06012015). Collection method: clinical testing. Allele origin: germline. Affected: yes.
Comment: This variant is considered likely benign or benign based on one or more of the following criteria: it is a conservative change, it occurs at a poorly conserved position in the protein, it is predicted to be benign by multiple in silico algorithms, and/or has population frequency not consistent with disease.

Breakthrough Genomics
Classification: Likely benign. Review status: criteria provided, single submitter. Criteria: ACMG Guidelines, 2015. Collection method: not provided. Allele origin: germline. Inheritance: Autosomal dominant inheritance. Affected: yes.

PreventionGenetics, part of Exact Sciences
Classification: Benign. Review status: criteria provided, single submitter. Criteria: ACMG Guidelines, 2015. Collection method: clinical testing. Allele origin: germline.

Clinical Genetics, Academic Medical Center
Classification: Benign. Review status: no assertion criteria provided. Collection method: clinical testing. Allele origin: germline. Affected: yes. Study: VKGL Data-share Consensus. Not counted in ClinVar's aggregate classification.

Diagnostic Laboratory, Department of Genetics, University Medical Center Groningen
Classification: Benign for Long QT syndrome 11. Review status: no assertion criteria provided. Collection method: clinical testing. Allele origin: germline. Affected: yes. Study: VKGL Data-share Consensus. Not counted in ClinVar's aggregate classification.